The following is an entry in ClinVar:

NM_138420.4(AHNAK2):c.3033G>T (p.Ser1011=)

Gene: AHNAK2 (AHNAK nucleoprotein 2; minus strand). Cytogenetic location: 14q32.33.
Variant type: single nucleotide variant.
Coding change: c.3033G>T on transcript NM_138420.4 (MANE Select); coding-DNA position 3033, G replaced by T.
Protein change: p.Ser1011=; no amino-acid change (serine 1011 retained).
Molecular consequence: synonymous variant.
Genome position (GRCh38, 1-based): chr14:104,952,418, C>A on the plus strand (G>T on the coding strand, the complement: AHNAK2 is on the minus strand). VCF-style: chr14-104952418-C-A. GRCh37 (hg19) VCF-style: chr14-105418755-C-A.
Other names: c.2733G>T, p.Ser911= (NM_001350929.2).
Identifiers: ClinVar variation 3905320 (VCV003905320.10).
Genomic context (GRCh38, chr14:104,952,418, plus strand): 5'-GTCGGCCTCCACCTTGGGTGCAGACACATCCACCAAGGCCTTGATGGACTTCCCTGGGGC[C>A]GATACCCCGAACGACGGCATCTTGAACTTGGGCATTTTGAACTTGCTGTCTTTGGCAGTC-3'
Protein context (NP_612429.2, residues 1001-1021): PKFKMPSFGV[Ser1011=]APGKSIKALV

ClinVar aggregate classification (germline): Likely benign (1 of 4 stars; one submission).

Submission:

CeGaT Center for Human Genetics Tuebingen
Classification: Likely benign. Last evaluated: 2025-06-01. Review status: criteria provided, single submitter. Criteria: CeGaT Center For Human Genetics Tuebingen Variant Classification Criteria Version 2. Collection method: clinical testing. Allele origin: germline. Affected: yes. Observed: 1 variant allele.
Comment: AHNAK2: BP4, BP7